The following is an entry in ClinVar:

NM_004064.5(CDKN1B):c.16G>A (p.Val6Met)

Gene: CDKN1B (cyclin dependent kinase inhibitor 1B; plus strand). Cytogenetic location: 12p13.1.
Variant type: single nucleotide variant.
Coding change: c.16G>A on transcript NM_004064.5 (MANE Select); coding-DNA position 16, G replaced by A.
Protein change: p.Val6Met; replaces valine 6 with methionine.
Molecular consequence: missense variant.
Genome position (GRCh38, 1-based): chr12:12,717,855, G>A. VCF-style: chr12-12717855-G-A. GRCh37 (hg19) VCF-style: chr12-12870789-G-A.
Other names: c.16G>A (NM_004064.3); short protein forms V6M.
Identifiers: ClinVar variation 1481713 (VCV001481713.7), dbSNP rs2136355356, ClinGen allele CA383967922.
Genomic context (GRCh38, chr12:12,717,855, plus strand): 5'-TTTTTGAGAGTGCGAGAGAGGCGGTCGTGCAGACCCGGGAGAAAGATGTCAAACGTGCGA[G>A]TGTCTAACGGGAGCCCTAGCCTGGAGCGGATGGACGCCAGGCAGGCGGAGCACCCCAAGC-3'
Protein context (NP_004055.1, residues 1-16): MSNVR[Val6Met]SNGSPSLERM

ClinVar aggregate classification (germline): Uncertain significance. Review status: criteria provided, multiple submitters, no conflicts (2 of 4 stars). 2 submissions from 2 submitters: Uncertain significance (2). Last evaluated 2022-12-05.

Conditions:
Hereditary cancer-predisposing syndrome. Also called: Hereditary neoplastic syndrome; Tumor predisposition; Neoplastic Syndromes, Hereditary; Hereditary Cancer Syndrome. Identifiers: Orphanet 140162, MedGen C0027672, MeSH D009386, MONDO:0015356.
Multiple endocrine neoplasia type 4. Also called: MULTIPLE ENDOCRINE NEOPLASIA, TYPE IV. Identifiers: Orphanet 276152, MedGen C1970712, MONDO:0012552, OMIM 610755.

Submissions (2):

Ambry Genetics
Classification: Uncertain significance for Hereditary cancer-predisposing syndrome. Last evaluated: 2022-12-05. Review status: criteria provided, single submitter. Criteria: Ambry Variant Classification Scheme 2023. Collection method: clinical testing. Allele origin: germline.
Comment: The p.V6M variant (also known as c.16G>A), located in coding exon 1 of the CDKN1B gene, results from a G to A substitution at nucleotide position 16. The valine at codon 6 is replaced by methionine, an amino acid with highly similar properties. This amino acid position is conserved. In addition, this alteration is predicted to be tolerated by in silico analysis. Since supporting evidence is limited at this time, the clinical significance of this alteration remains unclear.

Labcorp Genetics (formerly Invitae), Labcorp
Classification: Uncertain significance for Multiple endocrine neoplasia type 4. Last evaluated: 2021-10-14. Review status: criteria provided, single submitter. Criteria: Invitae Variant Classification Sherloc (09022015). Collection method: clinical testing. Allele origin: germline.
Comment: This sequence change replaces valine with methionine at codon 6 of the CDKN1B protein (p.Val6Met). The valine residue is highly conserved and there is a small physicochemical difference between valine and methionine. This variant is not present in population databases (ExAC no frequency). This variant has not been reported in the literature in individuals affected with CDKN1B-related conditions. Algorithms developed to predict the effect of missense changes on protein structure and function output the following: SIFT: "Deleterious"; PolyPhen-2: "Possibly Damaging"; Align-GVGD: "Class C0". The methionine amino acid residue is found in multiple mammalian species, which suggests that this missense change does not adversely affect protein function. In summary, the available evidence is currently insufficient to determine the role of this variant in disease. Therefore, it has been classified as a Variant of Uncertain Significance.